The following is an entry in ClinVar:

ClinVar aggregate classification (germline): Uncertain significance (1 of 4 stars; one submission).

gnomAD v4.1: 34 of 1,614,008 alleles (0.0021%); highest among the groups gnomAD compares: South Asian, 0.034%; no homozygotes.

Submission:

Ambry Genetics
Classification: Uncertain significance. Last evaluated: 2025-08-28. Review status: criteria provided, single submitter. Criteria: Ambry Variant Classification Scheme 2023. Collection method: clinical testing. Allele origin: germline.
Comment: The p.V818L variant (also known as c.2452G>C), located in coding exon 17 of the CTNNA3 gene, results from a G to C substitution at nucleotide position 2452. The valine at codon 818 is replaced by leucine, an amino acid with highly similar properties. This amino acid position is conserved. In addition, this alteration is predicted to be deleterious by in silico analysis. Based on the available evidence, the clinical significance of this variant remains unclear.

NM_013266.4(CTNNA3):c.2452G>C (p.Val818Leu)

Gene: CTNNA3 (catenin alpha 3; minus strand). Cytogenetic location: 10q21.3.
Variant type: single nucleotide variant.
Coding change: c.2452G>C on transcript NM_013266.4 (MANE Select); coding-DNA position 2452, G replaced by C.
Protein change: p.Val818Leu; replaces valine 818 with leucine.
Molecular consequence: missense variant.
Genome position (GRCh38, 1-based): chr10:65,920,566, C>G on the plus strand (G>C on the coding strand, the complement: CTNNA3 is on the minus strand). VCF-style: chr10-65920566-C-G. GRCh37 (hg19) VCF-style: chr10-67680324-C-G.
Other names: c.2452G>C, p.Val818Leu (NM_001127384.3); short protein forms V818L.
Identifiers: ClinVar variation 4235683 (VCV004235683.1).